The following is an entry in ClinVar:

NM_002354.3(EPCAM):c.46G>A (p.Ala16Thr)

Gene: EPCAM (epithelial cell adhesion molecule; plus strand). Cytogenetic location: 2p21.
Variant type: single nucleotide variant.
Coding change: c.46G>A on transcript NM_002354.3 (MANE Select); coding-DNA position 46, G replaced by A.
Protein change: p.Ala16Thr; replaces alanine 16 with threonine.
Molecular consequence: missense variant.
Genome position (GRCh38, 1-based): chr2:47,369,551, G>A. VCF-style: chr2-47369551-G-A. GRCh37 (hg19) VCF-style: chr2-47596690-G-A.
Other names: short protein forms A16T.
Identifiers: ClinVar variation 3222116 (VCV003222116.2), dbSNP rs1304699926, ClinGen allele CA346721401.

ClinVar aggregate classification (germline): Uncertain significance (1 of 4 stars; one submission).

Conditions:
Hereditary cancer-predisposing syndrome. Also called: Tumor predisposition; Hereditary neoplastic syndrome; Hereditary Cancer Syndrome; Neoplastic Syndromes, Hereditary. Identifiers: Orphanet 140162, MedGen C0027672, MeSH D009386, MONDO:0015356.

Allele frequency attached by ClinVar (database versions not stated): TOPMed 0.00001.

Submission:

Ambry Genetics
Classification: Uncertain significance for Hereditary cancer-predisposing syndrome. Last evaluated: 2025-10-22. Review status: criteria provided, single submitter. Criteria: Ambry Variant Classification Scheme 2023. Collection method: clinical testing. Allele origin: germline.
Comment: The p.A16T variant (also known as c.46G>A), located in coding exon 1 of the EPCAM gene, results from a G to A substitution at nucleotide position 46. The alanine at codon 16 is replaced by threonine, an amino acid with similar properties. This amino acid position is conserved. In addition, this alteration is predicted to be tolerated by in silico analysis. Since supporting evidence is limited at this time, the clinical significance of this alteration remains unclear.